The following is an entry in ClinVar:

ClinVar aggregate classification (germline): Uncertain significance (1 of 4 stars; one submission).

Conditions:
Familial Mediterranean fever (FMF). Also called: POLYSEROSITIS, FAMILIAL PAROXYSMAL; POLYSEROSITIS, RECURRENT; Periodic peritonitis; Benign paroxysmal peritonitis. Identifiers: Orphanet 342, MedGen C0031069, MONDO:0018088, OMIM 249100. Disease mechanism: gain of function.

Submission:

Labcorp Genetics (formerly Invitae), Labcorp
Classification: Uncertain significance for Familial Mediterranean fever. Last evaluated: 2019-07-09. Review status: criteria provided, single submitter. Criteria: Invitae Variant Classification Sherloc (09022015). Collection method: clinical testing. Allele origin: germline.
Comment: This sequence change creates a premature translational stop signal (p.Lys164*) in the MEFV gene. It is expected to result in an absent or disrupted protein product. This variant is not present in population databases (ExAC no frequency). This variant has not been reported in the literature in individuals with MEFV-related conditions. The current clinical and genetic evidence is not sufficient to establish whether loss-of-function variants in MEFV cause disease. In summary, the available evidence is currently insufficient to determine the role of this variant in disease. Therefore, it has been classified as a Variant of Uncertain Significance.

NM_000243.3(MEFV):c.490A>T (p.Lys164Ter)

Gene: MEFV (MEFV innate immunity regulator, pyrin; minus strand). Cytogenetic location: 16p13.3.
Variant type: single nucleotide variant.
Coding change: c.490A>T on transcript NM_000243.3 (MANE Select); coding-DNA position 490, A replaced by T.
Protein change: p.Lys164Ter; replaces lysine 164 with a stop codon.
Molecular consequence: nonsense. On other transcripts: intron variant (1).
Genome position (GRCh38, 1-based): chr16:3,254,578, T>A on the plus strand (A>T on the coding strand, the complement: MEFV is on the minus strand). VCF-style: chr16-3254578-T-A. GRCh37 (hg19) VCF-style: chr16-3304578-T-A.
Other names: c.277+1733A>T (NM_001198536.2); short protein forms K164*.
Identifiers: ClinVar variation 664924 (VCV000664924.8), dbSNP rs1306636942, ClinGen allele CA394481203.